The following is an entry in ClinVar:

NM_030665.4(RAI1):c.5626dup (p.His1876fs)

Gene: RAI1 (retinoic acid induced 1; plus strand). Cytogenetic location: 17p11.2.
Variant type: Duplication.
Coding change: c.5626dup on transcript NM_030665.4 (MANE Select); coding-DNA position 5626, one base duplicated (C; older notation c.5626dupC).
Protein change: p.His1876fs; shifts the reading frame from histidine 1876.
Molecular consequence: frameshift variant.
Genome position (GRCh38, 1-based): chr17:17,803,816, C duplicated; the last of 2 consecutive C bases (chr17:17,803,815-17,803,816); duplicating either gives the same sequence. VCF-style (leftmost placement, unchanged base first): chr17-17803814-T-TC. GRCh37 (hg19) VCF-style: chr17-17707128-T-TC.
Other names: c.5626dupC (NM_030665.4); short protein forms H1876fs.
Identifiers: ClinVar variation 2682235 (VCV002682235.1), dbSNP rs2543642941, ClinGen allele CA2697559441.
Genomic context (GRCh38, chr17:17,803,814, plus strand): 5'-AGATGTGTTCCAGCTGCCAAGAAGCCGGGGCCACCATTGGGTGCTGCCACAAAGGATGCC[T>TC]CCACACCTACCACTACCCGTGTGCCAGCGATGCAGGTACGAGCCCGCCCAGGAACAGGAG-3'

ClinVar aggregate classification (germline): Pathogenic (1 of 4 stars; one submission).

Conditions:
Smith-Magenis syndrome (SMS). Also called: CHROMOSOME 17p11.2 DELETION SYNDROME. Identifiers: Orphanet 819, MedGen C0795864, MONDO:0008434, OMIM 182290.

Submission:

Women's Health and Genetics/Laboratory Corporation of America, LabCorp
Classification: Pathogenic for Smith-Magenis syndrome. Last evaluated: 2023-11-21. Review status: criteria provided, single submitter. Criteria: LabCorp Variant Classification Summary - May 2015. Collection method: clinical testing. Allele origin: germline.
Comment: Variant summary: RAI1 c.5626dupC (p.His1876ProfsX28) results in a premature termination codon, predicted to cause a truncation of the encoded protein or absence of the protein due to nonsense mediated decay, which are commonly known mechanisms for disease. The frequency data for this variant in gnomAD is considered unreliable, as metrics indicate poor data quality at this position. To our knowledge, no occurrence of c.5626dupC in individuals affected with Smith-Magenis Syndrome and no experimental evidence demonstrating its impact on protein function have been reported. No submitters have cited clinical-significance assessments for this variant to ClinVar after 2014. Based on the evidence outlined above, the variant was classified as pathogenic.